The following is an entry in ClinVar:

NM_025215.6(PUS1):c.983C>T (p.Ala328Val)

Gene: PUS1 (pseudouridine synthase 1; plus strand). Cytogenetic location: 12q24.33.
Variant type: single nucleotide variant.
Coding change: c.983C>T on transcript NM_025215.6 (MANE Select); coding-DNA position 983, C replaced by T.
Protein change: p.Ala328Val; replaces alanine 328 with valine.
Molecular consequence: missense variant.
Genome position (GRCh38, 1-based): chr12:131,941,730, C>T. VCF-style: chr12-131941730-C-T. GRCh37 (hg19) VCF-style: chr12-132426275-C-T.
Other names: c.899C>T, p.Ala300Val (NM_001002019.3, NM_001002020.3); c.983C>T (NM_025215.5); short protein forms A300V, A328V.
Identifiers: ClinVar variation 2142412 (VCV002142412.2), dbSNP rs746104627, ClinGen allele CA6884286.
Genomic context (GRCh38, chr12:131,941,730, plus strand): 5'-ATGCCCCTGAGAGCGTGCTGGAGCGCAGCTGGGGCACAGAGAAGGTGGACGTGCCCAAGG[C>T]GCCCGGACTCGGCCTGGTCCTGGAGAGGGTGCACTTCGAGAAGTACAACCAGCGCTTTGG-3'
Protein context (NP_079491.2, residues 318-338): WGTEKVDVPK[Ala328Val]PGLGLVLERV

ClinVar aggregate classification (germline): Uncertain significance. Review status: criteria provided, multiple submitters, no conflicts (2 of 4 stars). 2 submissions from 2 submitters: Uncertain significance (2). Last evaluated 2025-10-14.

Conditions:
Inborn genetic diseases. Identifiers: MedGen C0950123, MeSH D030342.

Allele frequency attached by ClinVar (database versions not stated): ExAC 0.00001; gnomAD 0.00004; TOPMed 0.00001; gnomAD exomes 0.00002.
gnomAD v4.1: 30 of 1,613,996 alleles (0.0019%); highest among the groups gnomAD compares: Admixed American, 0.0067%; no homozygotes.

Submissions (2):

Ambry Genetics
Classification: Uncertain significance for Inborn genetic diseases. Last evaluated: 2025-10-14. Review status: criteria provided, single submitter. Criteria: Ambry Variant Classification Scheme 2023. Collection method: clinical testing. Allele origin: germline.

Labcorp Genetics (formerly Invitae), Labcorp
Classification: Uncertain significance. Last evaluated: 2022-07-30. Review status: criteria provided, single submitter. Criteria: Invitae Variant Classification Sherloc (09022015). Collection method: clinical testing. Allele origin: germline.
Comment: This sequence change replaces alanine, which is neutral and non-polar, with valine, which is neutral and non-polar, at codon 328 of the PUS1 protein (p.Ala328Val). This variant is present in population databases (rs746104627, gnomAD 0.01%). This variant has not been reported in the literature in individuals affected with PUS1-related conditions. Algorithms developed to predict the effect of missense changes on protein structure and function are either unavailable or do not agree on the potential impact of this missense change (SIFT: "Deleterious"; PolyPhen-2: "Probably Damaging"; Align-GVGD: "Class C0"). Algorithms developed to predict the effect of sequence changes on RNA splicing suggest that this variant may create or strengthen a splice site. In summary, the available evidence is currently insufficient to determine the role of this variant in disease. Therefore, it has been classified as a Variant of Uncertain Significance.